The following is an entry in ClinVar:

NM_021267.5(CERS1):c.349G>T (p.Ala117Ser)

Genes: CERS1 (ceramide synthase 1; minus strand), GDF1 (growth differentiation factor 1; minus strand). Cytogenetic location: 19p13.11.
Variant type: single nucleotide variant.
Coding change: c.349G>T on transcript NM_021267.5 (MANE Select); coding-DNA position 349, G replaced by T.
Protein change: p.Ala117Ser; replaces alanine 117 with serine.
Molecular consequence: missense variant. On other transcripts: 5 prime UTR variant (2).
Genome position (GRCh38, 1-based): chr19:18,893,476, C>A on the plus strand (G>T on the coding strand, the complement: CERS1 is on the minus strand). VCF-style: chr19-18893476-C-A. GRCh37 (hg19) VCF-style: chr19-19004285-C-A.
Other names: c.55G>T, p.Ala19Ser (NM_001290265.2, NM_001387442.1, NM_001387443.1 and 2 more transcripts); c.349G>T, p.Ala117Ser (NM_001387439.1, NM_001387440.1, NM_001387441.1 and 1 more transcripts); c.-554G>T (NM_001387438.1); c.-974G>T (NM_001492.6); short protein forms A19S, A117S.
Identifiers: ClinVar variation 1514273 (VCV001514273.7), dbSNP rs199956210, ClinGen allele CA9318304.
Genomic context (GRCh38, chr19:18,893,476, plus strand): 5'-CGTAGAAGACAGATGGTGGGTCATGGAAGAAGGGGTAGTCGGTGCCAAACAGCAGGTAGG[C>A]ACTGTAGCTCCAGCTGCCCAGGTAGAAGAGAAACTTCCAAGCGCTCTCGGGCATCTTGGC-3'
Protein context (NP_067090.1, residues 107-127): LFYLGSWSYS[Ala117Ser]YLLFGTDYPF

ClinVar aggregate classification (germline): Uncertain significance. Review status: criteria provided, multiple submitters, no conflicts (2 of 4 stars). 2 submissions from 2 submitters: Uncertain significance (2). Last evaluated 2023-10-03.

Conditions:
Progressive myoclonic epilepsy type 8. Identifiers: Orphanet 424027, MedGen C5190825, MONDO:0014545, OMIM 616230.

Allele frequency attached by ClinVar (database versions not stated): gnomAD 0.00003 and 0.00004; gnomAD exomes 0.00007 and 0.00014; TOPMed 0.00007; ExAC 0.00008; ESP Exome Variant Server 0.00016.
gnomAD v4.1: 200 of 1,607,116 alleles (0.012%); highest among the groups gnomAD compares: Non-Finnish European, 0.016%; no homozygotes.

Submissions (2):

Labcorp Genetics (formerly Invitae), Labcorp
Classification: Uncertain significance for Progressive myoclonic epilepsy type 8. Last evaluated: 2023-10-03. Review status: criteria provided, single submitter. Criteria: Invitae Variant Classification Sherloc (09022015). Collection method: clinical testing. Allele origin: germline.
Comment: This sequence change replaces alanine, which is neutral and non-polar, with serine, which is neutral and polar, at codon 117 of the CERS1 protein (p.Ala117Ser). This variant is present in population databases (rs199956210, gnomAD 0.01%). This variant has not been reported in the literature in individuals affected with CERS1-related conditions. ClinVar contains an entry for this variant (Variation ID: 1514273). Advanced modeling of protein sequence and biophysical properties (such as structural, functional, and spatial information, amino acid conservation, physicochemical variation, residue mobility, and thermodynamic stability) performed at Invitae indicates that this missense variant is not expected to disrupt CERS1 protein function. In summary, the available evidence is currently insufficient to determine the role of this variant in disease. Therefore, it has been classified as a Variant of Uncertain Significance.

Ambry Genetics
Classification: Uncertain significance. Last evaluated: 2023-09-13. Review status: criteria provided, single submitter. Criteria: Ambry Variant Classification Scheme 2023. Collection method: clinical testing. Allele origin: germline.